The following is an entry in ClinVar:

NM_004006.3(DMD):c.5999A>T (p.Tyr2000Phe)

Gene: DMD (dystrophin; minus strand). Cytogenetic location: Xp21.1.
Variant type: single nucleotide variant.
Coding change: c.5999A>T on transcript NM_004006.3 (MANE Select); coding-DNA position 5999, A replaced by T.
Protein change: p.Tyr2000Phe; replaces tyrosine 2000 with phenylalanine.
Molecular consequence: missense variant.
Genome position (GRCh38, 1-based): chrX:32,310,200, T>A on the plus strand (A>T on the coding strand, the complement: DMD is on the minus strand). VCF-style: chrX-32310200-T-A. GRCh37 (hg19) VCF-style: chrX-32328317-T-A.
Other names: c.5975A>T, p.Tyr1992Phe (NM_000109.4); c.5987A>T, p.Tyr1996Phe (NM_004009.3); c.5630A>T, p.Tyr1877Phe (NM_004010.3); c.1976A>T, p.Tyr659Phe (NM_004011.4); c.1967A>T, p.Tyr656Phe (NM_004012.4); short protein forms Y656F, Y1877F, Y1992F, Y2000F, Y659F, Y1996F.
Identifiers: ClinVar variation 828072 (VCV000828072.10), dbSNP rs1603630432, ClinGen allele CA412669896.

ClinVar aggregate classification (germline): Uncertain significance. Review status: criteria provided, multiple submitters, no conflicts (2 of 4 stars). 3 submissions from 3 submitters: Uncertain significance (2). 1 of the submissions does not count toward it. Last evaluated 2025-10-21.

Conditions:
Duchenne muscular dystrophy (DMD). Also called: MUSCULAR DYSTROPHY, PSEUDOHYPERTROPHIC PROGRESSIVE, DUCHENNE TYPE; Duchenne Muscular Dystrophy (DMD). Identifiers: Orphanet 98896, MedGen C0013264, MONDO:0010679, OMIM 310200.
Becker muscular dystrophy (BMD). Also called: MUSCULAR DYSTROPHY, PSEUDOHYPERTROPHIC PROGRESSIVE, BECKER TYPE; Becker Muscular Dystrophy (BMD). Identifiers: Orphanet 98895, MedGen C0917713, MONDO:0010311, OMIM 300376.
Cardiomyopathy (CMYO). Also called: Cardiomyopathies. Identifiers: Orphanet 167848, MedGen C0878544, MONDO:0004994, HP:0001638. Inheritance: Various modes of inheritance.
Dystrophin deficiency.

Allele frequency attached by ClinVar (database versions not stated): gnomAD exomes below 0.00001.
gnomAD v4.1: 1 of 1,209,246 alleles (0.000083%); highest among the groups gnomAD compares: Non-Finnish European, 0.00011%; no homozygotes.

Submissions (3):

Labcorp Genetics (formerly Invitae), Labcorp
Classification: Uncertain significance for Duchenne muscular dystrophy. Last evaluated: 2025-10-21. Review status: criteria provided, single submitter. Criteria: Invitae Variant Classification Sherloc (09022015). Collection method: clinical testing. Allele origin: germline.
Comment: This sequence change replaces tyrosine, which is neutral and polar, with phenylalanine, which is neutral and non-polar, at codon 2000 of the DMD protein (p.Tyr2000Phe). This variant is not present in population databases (gnomAD no frequency). This variant has not been reported in the literature in individuals affected with DMD-related conditions. ClinVar contains an entry for this variant (Variation ID: 828072). Invitae Evidence Modeling of protein sequence and biophysical properties (such as structural, functional, and spatial information, amino acid conservation, physicochemical variation, residue mobility, and thermodynamic stability) indicates that this missense variant is not expected to disrupt DMD protein function with a negative predictive value of 95%. In summary, the available evidence is currently insufficient to determine the role of this variant in disease. Therefore, it has been classified as a Variant of Uncertain Significance.

Blueprint Genetics
Classification: Uncertain significance. Last evaluated: 2024-01-12. Review status: criteria provided, single submitter. Criteria: ACMG Guidelines, 2015. Collection method: clinical testing. Allele origin: germline.

Natera, Inc.
Classification: Uncertain significance for Becker muscular dystrophy; Cardiomyopathy; Duchenne muscular dystrophy; Dystrophin deficiency. Last evaluated: 2019-05-20. Review status: no assertion criteria provided. Collection method: clinical testing. Allele origin: germline. Not counted in ClinVar's aggregate classification.